The following is an entry in ClinVar:

ClinVar aggregate classification (germline): Uncertain significance (1 of 4 stars; one submission).

Conditions:
Cleft palate with or without ankyloglossia, X-linked. Identifiers: Orphanet 324601, MedGen C1844830, MONDO:0010560, OMIM 303400.

gnomAD v4.1: 7 of 1,210,404 alleles (0.00058%); highest among the groups gnomAD compares: Non-Finnish European, 0.00067%; no homozygotes.

Submission:

Genetics and Molecular Pathology, SA Pathology
Classification: Uncertain significance for Cleft palate with or without ankyloglossia, X-linked. Last evaluated: 2020-10-29. Review status: criteria provided, single submitter. Criteria: ACMG Guidelines, 2015. Collection method: clinical testing. Allele origin: germline. Inheritance: X-linked inheritance. Affected: yes.
Comment: The TBX22 c.592C>T missense variant is classified as a VARIANT OF UNCERTAIN SIGNIFICANCE (PM2, PP3) The TBX22 c.592C>T missense variant is a single nucleotide change in exon 4 of the TBX22 gene, which is predicted to change the amino acid arginine at position 198 in the protein to cysteine. This variant has not been reported in dbSNP and is absent from population databases (PM2). This variant has not been reported in the ClinVar of HGMD disease databases. Computational predictions support a deleterious effect on the gene or gene product (PP3).

NM_001109878.2(TBX22):c.592C>T (p.Arg198Cys)

Gene: TBX22 (T-box transcription factor 22). Cytogenetic location: Xq21.1.
Variant type: single nucleotide variant.
Coding change: c.592C>T on transcript NM_001109878.2 (MANE Select); coding-DNA position 592, C replaced by T.
Protein change: p.Arg198Cys; replaces arginine 198 with cysteine.
Molecular consequence: missense variant.
Genome position (GRCh38, 1-based): chrX:80,025,736, C>T. VCF-style: chrX-80025736-C-T. GRCh37 (hg19) VCF-style: chrX-79281235-C-T.
Other names: c.232C>T, p.Arg78Cys (NM_001109879.2, NM_001303475.1); c.592C>T, p.Arg198Cys (NM_016954.2); short protein forms R198C, R78C.
Identifiers: ClinVar variation 1698919 (VCV001698919.2), dbSNP rs776905471, ClinGen allele CA413740498.